The following is an entry in ClinVar:

NM_002691.4(POLD1):c.3302C>T (p.Pro1101Leu)

Gene: POLD1 (DNA polymerase delta 1, catalytic subunit; plus strand). Cytogenetic location: 19q13.33.
Variant type: single nucleotide variant.
Coding change: c.3302C>T on transcript NM_002691.4 (MANE Select); coding-DNA position 3302, C replaced by T.
Protein change: p.Pro1101Leu; replaces proline 1101 with leucine.
Molecular consequence: missense variant. On other transcripts: non-coding transcript variant (1).
Genome position (GRCh38, 1-based): chr19:50,417,925, C>T. VCF-style: chr19-50417925-C-T. GRCh37 (hg19) VCF-style: chr19-50921182-C-T.
Other names: c.3302C>T, p.Pro1101Leu (NM_001256849.1); c.3380C>T, p.Pro1127Leu (NM_001308632.1); short protein forms P1101L, P1127L.
Identifiers: ClinVar variation 641892 (VCV000641892.11), dbSNP rs895709341, ClinGen allele CA406987871.

ClinVar aggregate classification (germline): Uncertain significance. Review status: criteria provided, multiple submitters, no conflicts (2 of 4 stars). 2 submissions from 2 submitters: Uncertain significance (2). Last evaluated 2024-11-05.

Conditions:
Hereditary cancer-predisposing syndrome. Also called: Hereditary neoplastic syndrome; Tumor predisposition; Hereditary Cancer Syndrome; Neoplastic Syndromes, Hereditary. Identifiers: Orphanet 140162, MedGen C0027672, MeSH D009386, MONDO:0015356.
POLD1-related polyposis and colorectal cancer syndrome (CRCS10). Also called: Colorectal cancer, susceptibility to, 10; Colorectal cancer 10; COLORECTAL CANCER, SUSCEPTIBILITY TO, ON CHROMOSOME 19q. Identifiers: Orphanet 220460, MedGen C2675481, MONDO:0012953, OMIM 612591.

Allele frequency attached by ClinVar (database versions not stated): gnomAD exomes below 0.00001; gnomAD 0.00001 and 0.00002; TOPMed 0.00002.
gnomAD v4.1: 4 of 1,609,664 alleles (0.00025%); highest among the groups gnomAD compares: African/African-American, 0.004%; no homozygotes.

Submissions (2):

Labcorp Genetics (formerly Invitae), Labcorp
Classification: Uncertain significance for POLD1-related polyposis and colorectal cancer syndrome. Last evaluated: 2024-11-05. Review status: criteria provided, single submitter. Criteria: Invitae Variant Classification Sherloc (09022015). Collection method: clinical testing. Allele origin: germline.
Comment: This sequence change replaces proline, which is neutral and non-polar, with leucine, which is neutral and non-polar, at codon 1101 of the POLD1 protein (p.Pro1101Leu). This variant is present in population databases (no rsID available, gnomAD 0.004%). This variant has not been reported in the literature in individuals affected with POLD1-related conditions. ClinVar contains an entry for this variant (Variation ID: 641892). An algorithm developed to predict the effect of missense changes on protein structure and function (PolyPhen-2) suggests that this variant is likely to be tolerated. In summary, the available evidence is currently insufficient to determine the role of this variant in disease. Therefore, it has been classified as a Variant of Uncertain Significance.

Ambry Genetics
Classification: Uncertain significance for Hereditary cancer-predisposing syndrome. Last evaluated: 2024-03-12. Review status: criteria provided, single submitter. Criteria: Ambry Variant Classification Scheme 2023. Collection method: clinical testing. Allele origin: germline.
Comment: The p.P1101L variant (also known as c.3302C>T), located in coding exon 26 of the POLD1 gene, results from a C to T substitution at nucleotide position 3302. The proline at codon 1101 is replaced by leucine, an amino acid with similar properties. This amino acid position is conserved. In addition, this alteration is predicted to be tolerated by in silico analysis. Since supporting evidence is limited at this time, the clinical significance of this alteration remains unclear.